The following is an entry in ClinVar:

ClinVar aggregate classification (germline): Uncertain significance (1 of 4 stars; one submission).

Conditions:
Charcot-Marie-Tooth disease type 1C. Also called: HMSN IC; CHARCOT-MARIE-TOOTH NEUROPATHY, TYPE 1C; NEUROPATHY, HEREDITARY MOTOR AND SENSORY, TYPE IC; CMT, SLOW NERVE CONDUCTION TYPE C; Charcot-Marie-Tooth disease, type IC; CHARCOT-MARIE-TOOTH DISEASE, DEMYELINATING, TYPE 1C. Identifiers: Orphanet 101083, MedGen C0270913, MONDO:0010995, OMIM 601098.

Allele frequency attached by ClinVar (database versions not stated): gnomAD exomes 0.00001; ExAC 0.00003; TOPMed 0.00005; gnomAD 0.00006; ESP Exome Variant Server 0.00023.
gnomAD v4.1: 24 of 1,613,932 alleles (0.0015%); highest among the groups gnomAD compares: African/African-American, 0.013%; no homozygotes.

Submission:

Labcorp Genetics (formerly Invitae), Labcorp
Classification: Uncertain significance for Charcot-Marie-Tooth disease type 1C. Last evaluated: 2025-06-02. Review status: criteria provided, single submitter. Criteria: Invitae Variant Classification Sherloc (09022015). Collection method: clinical testing. Allele origin: germline.
Comment: This sequence change replaces alanine, which is neutral and non-polar, with valine, which is neutral and non-polar, at codon 66 of the LITAF protein (p.Ala66Val). This variant is present in population databases (rs140714668, gnomAD 0.02%). This variant has not been reported in the literature in individuals affected with LITAF-related conditions. ClinVar contains an entry for this variant (Variation ID: 1043132). An algorithm developed to predict the effect of missense changes on protein structure and function outputs the following: PolyPhen-2: "Benign". The valine amino acid residue is found in multiple mammalian species, which suggests that this missense change does not adversely affect protein function. In summary, the available evidence is currently insufficient to determine the role of this variant in disease. Therefore, it has been classified as a Variant of Uncertain Significance.

NM_001136472.2(LITAF):c.197C>T (p.Ala66Val)

Gene: LITAF (lipopolysaccharide induced TNF factor; minus strand). Cytogenetic location: 16p13.13.
Variant type: single nucleotide variant.
Coding change: c.197C>T on transcript NM_001136472.2 (MANE Select); coding-DNA position 197, C replaced by T.
Protein change: p.Ala66Val; replaces alanine 66 with valine.
Molecular consequence: missense variant. On other transcripts: non-coding transcript variant (1).
Genome position (GRCh38, 1-based): chr16:11,556,534, G>A on the plus strand (C>T on the coding strand, the complement: LITAF is on the minus strand). VCF-style: chr16-11556534-G-A. GRCh37 (hg19) VCF-style: chr16-11650390-G-A.
Other names: c.197C>T, p.Ala66Val (NM_001136473.1, NM_004862.4); short protein forms A66V.
Identifiers: ClinVar variation 1043132 (VCV001043132.8), dbSNP rs140714668, ClinGen allele CA7904162.
Genomic context (GRCh38, chr16:11,556,534, plus strand): 5'-AAGGAATGGTAAGGGGGGCCTGGGAGGCCACACGTACTTGGATTGTTATTGGGGATGGGC[G>A]CTGGCTGGGTATAATACGAAGGAGGATTCATGCCCTTCCCATCAGGCCCCGTCACAAGCC-3'
Protein context (NP_001129944.1, residues 56-76): MNPPSYYTQP[Ala66Val]PIPNNNPITV